The following is an entry in ClinVar:

NM_001042492.3(NF1):c.4626_4627insA (p.Leu1543fs)

Gene: NF1 (neurofibromin 1; plus strand). Cytogenetic location: 17q11.2.
Variant type: Insertion.
Coding change: c.4626_4627insA on transcript NM_001042492.3 (MANE Select); coding-DNA positions 4626 to 4627, A inserted.
Protein change: p.Leu1543fs; shifts the reading frame from leucine 1543.
Molecular consequence: frameshift variant.
Genome position: GRCh38 VCF-style: chr17-31261759-T-TA. GRCh37 (hg19) VCF-style: chr17-29588777-T-TA.
Other names: c.4563_4564insA, p.Leu1522fs (NM_000267.4); short protein forms L1522fs, L1543fs.
Identifiers: ClinVar variation 4715275 (VCV004715275.1).
Genomic context (GRCh38, chr17:31,261,759, plus strand): 5'-TGCTGTATCTAGGGATCATAAAGCTGTTGGAAGACGACCTTTTGATAAGATGGCAACACT[T>TA]CTTGCATACCTGGGTCCTCCAGAGCACAAACCTGTGGCAGATACACACTGGTCCAGCCTT-3'

ClinVar aggregate classification (germline): Pathogenic (1 of 4 stars; one submission).

Conditions:
Neurofibromatosis, type 1 (NF1). Also called: VON RECKLINGHAUSEN DISEASE; Peripheral type neurofibromatosis; NEUROFIBROMATOSIS, TYPE I, SOMATIC; Neurofibromatosis, type I. Identifiers: Orphanet 636, MedGen C0027831, MONDO:0018975, OMIM 162200. Disease mechanism: loss of function.

Submission:

Labcorp Genetics (formerly Invitae), Labcorp
Classification: Pathogenic for Neurofibromatosis, type 1. Last evaluated: 2025-03-17. Review status: criteria provided, single submitter. Criteria: Invitae Variant Classification Sherloc (09022015). Collection method: clinical testing. Allele origin: germline.
Comment: This sequence change creates a premature translational stop signal (p.Leu1522Thrfs*21) in the NF1 gene. It is expected to result in an absent or disrupted protein product. Loss-of-function variants in NF1 are known to be pathogenic (PMID: 10712197, 23913538). This variant is not present in population databases (gnomAD no frequency). This variant has not been reported in the literature in individuals affected with NF1-related conditions. Algorithms developed to predict the effect of sequence changes on RNA splicing suggest that this variant may disrupt the consensus splice site. For these reasons, this variant has been classified as Pathogenic.

Literature cited by the submitters: PubMed 10712197; PubMed 23913538.